The following is an entry in ClinVar:

ClinVar aggregate classification (germline): Pathogenic (1 of 4 stars; one submission).

Submission:

GeneDx
Classification: Pathogenic. Last evaluated: 2022-09-13. Review status: criteria provided, single submitter. Criteria: GeneDx Variant Classification Process June 2021. Collection method: clinical testing. Allele origin: germline. Affected: yes.
Comment: Published functional studies demonstrate a damaging effect to promoter activation of the StAR gene in the steroid biosynthetic pathyway (Choi et al., 2011); Nonsense variant predicted to result in protein truncation or nonsense mediated decay in a gene for which loss of function is a known mechanism of disease; Not observed at significant frequency in large population cohorts (gnomAD); This variant is associated with the following publications: (PMID: 21632081, 15860922)

NM_000475.5(NR0B1):c.314G>A (p.Trp105Ter)

Gene: NR0B1 (nuclear receptor subfamily 0 group B member 1; minus strand). Cytogenetic location: Xp21.2.
Variant type: single nucleotide variant.
Coding change: c.314G>A on transcript NM_000475.5 (MANE Select); coding-DNA position 314, G replaced by A.
Protein change: p.Trp105Ter; replaces tryptophan 105 with a stop codon.
Molecular consequence: nonsense.
Genome position (GRCh38, 1-based): chrX:30,309,050, C>T on the plus strand (G>A on the coding strand, the complement: NR0B1 is on the minus strand). VCF-style: chrX-30309050-C-T. GRCh37 (hg19) VCF-style: chrX-30327167-C-T.
Other names: short protein forms W105*.
Identifiers: ClinVar variation 2443603 (VCV002443603.1), dbSNP rs2519051880, ClinGen allele CA412549020.
Genomic context (GRCh38, chrX:30,309,050, plus strand): 5'-GGCCGCCCACCCGGAAGCCCCGCTCTGCCCACCCCGGGATCAGAGCCGCACGAACAGCCC[C>T]AGCACGGACCCAGCGTCGCCTCGGGCGCCTTCGGTGCCGCGTACGTTTGCTTTGCGCTCG-3'